The following is an entry in ClinVar:

NM_005188.4(CBL):c.2606A>G (p.Tyr869Cys)

Gene: CBL (Cbl proto-oncogene; plus strand). Cytogenetic location: 11q23.3.
Variant type: single nucleotide variant.
Coding change: c.2606A>G on transcript NM_005188.4 (MANE Select); coding-DNA position 2606, A replaced by G.
Protein change: p.Tyr869Cys; replaces tyrosine 869 with cysteine.
Molecular consequence: missense variant.
Genome position (GRCh38, 1-based): chr11:119,299,666, A>G. VCF-style: chr11-119299666-A-G. GRCh37 (hg19) VCF-style: chr11-119170376-A-G.
Other names: short protein forms Y869C.
Identifiers: ClinVar variation 2920810 (VCV002920810.1), dbSNP rs758291160, ClinGen allele CA6318820.

ClinVar aggregate classification (germline): Uncertain significance (1 of 4 stars; one submission).

Allele frequency attached by ClinVar (database versions not stated): gnomAD exomes below 0.00001.
gnomAD v4.1: 5 of 1,614,142 alleles (0.00031%); highest among the groups gnomAD compares: Non-Finnish European, 0.00042%; no homozygotes.

Submission:

ARUP Laboratories, Molecular Genetics and Genomics, ARUP Laboratories
Classification: Uncertain significance. Last evaluated: 2023-09-20. Review status: criteria provided, single submitter. Criteria: ARUP Molecular Germline Variant Investigation Process 2024. Collection method: clinical testing. Allele origin: germline.
Comment: The CBL c.2606A>G; p.Tyr869Cys variant (rs758291160), to our knowledge, is not reported in the medical literature or gene specific databases. This variant is also absent from the Genome Aggregation Database, but is in a low confidence region. Computational analyses are uncertain whether this variant is neutral or deleterious (REVEL: 0.568). Due to limited information, the clinical significance of this variant is uncertain at this time.